The following is an entry in ClinVar:

ClinVar aggregate classification (germline): Uncertain significance. Review status: criteria provided, multiple submitters, no conflicts (2 of 4 stars). 2 submissions from 2 submitters: Uncertain significance (2). Last evaluated 2023-11-17.

Conditions:
DICER1-related tumor predisposition. Also called: DICER1-related pleuropulmonary blastoma cancer predisposition syndrome; DICER1 syndrome. Identifiers: Orphanet 284343, MedGen C3839822, MONDO:0100216.
Hereditary cancer-predisposing syndrome. Also called: Tumor predisposition; Neoplastic Syndromes, Hereditary; Hereditary Cancer Syndrome; Hereditary neoplastic syndrome. Identifiers: Orphanet 140162, MedGen C0027672, MeSH D009386, MONDO:0015356.

Submissions (2):

Labcorp Genetics (formerly Invitae), Labcorp
Classification: Uncertain significance for DICER1-related tumor predisposition. Last evaluated: 2023-11-17. Review status: criteria provided, single submitter. Criteria: Invitae Variant Classification Sherloc (09022015). Collection method: clinical testing. Allele origin: germline.
Comment: This sequence change replaces glutamic acid, which is acidic and polar, with aspartic acid, which is acidic and polar, at codon 1803 of the DICER1 protein (p.Glu1803Asp). This variant is not present in population databases (gnomAD no frequency). This variant has not been reported in the literature in individuals affected with DICER1-related conditions. An algorithm developed to predict the effect of missense changes on protein structure and function (PolyPhen-2) suggests that this variant is likely to be disruptive. In summary, the available evidence is currently insufficient to determine the role of this variant in disease. Therefore, it has been classified as a Variant of Uncertain Significance.

Ambry Genetics
Classification: Uncertain significance for Hereditary cancer-predisposing syndrome. Last evaluated: 2023-09-07. Review status: criteria provided, single submitter. Criteria: Ambry Variant Classification Scheme 2023. Collection method: clinical testing. Allele origin: germline.
Comment: The p.E1803D variant (also known as c.5409A>C), located in coding exon 24 of the DICER1 gene, results from an A to C substitution at nucleotide position 5409. The glutamic acid at codon 1803 is replaced by aspartic acid, an amino acid with highly similar properties. This amino acid position is highly conserved in available vertebrate species. In addition, this alteration is predicted to be tolerated by in silico analysis. Since supporting evidence is limited at this time, the clinical significance of this alteration remains unclear.

NM_177438.3(DICER1):c.5409A>C (p.Glu1803Asp)

Gene: DICER1 (dicer 1, ribonuclease III; minus strand). Cytogenetic location: 14q32.13.
Variant type: single nucleotide variant.
Coding change: c.5409A>C on transcript NM_177438.3 (MANE Select); coding-DNA position 5409, A replaced by C.
Protein change: p.Glu1803Asp; replaces glutamic acid 1803 with aspartic acid.
Molecular consequence: missense variant. On other transcripts: non-coding transcript variant (6), intron variant (1).
Genome position (GRCh38, 1-based): chr14:95,091,321, T>G on the plus strand (A>C on the coding strand, the complement: DICER1 is on the minus strand). VCF-style: chr14-95091321-T-G. GRCh37 (hg19) VCF-style: chr14-95557658-T-G.
Other names: c.5409A>C, p.Glu1803Asp (NM_001271282.3, NM_001291628.2, NM_001395677.1 and 8 more transcripts); c.5127A>C, p.Glu1709Asp (NM_001395686.1); c.5004A>C, p.Glu1668Asp (NM_001395687.1, NM_001395688.1, NM_001395689.1 and 1 more transcripts); c.4842A>C, p.Glu1614Asp (NM_001395691.1); c.3726A>C, p.Glu1242Asp (NM_001395697.1); c.5365-212A>C (NM_001195573.1); short protein forms E1803D, E1242D, E1614D, E1668D, E1709D.
Identifiers: ClinVar variation 2586426 (VCV002586426.5), dbSNP rs1060504977, ClinGen allele CA390864720.
Genomic context (GRCh38, chr14:95,091,321, plus strand): 5'-ACTATCCATGTAAATGGCACCAGCAAGCGACTCAAAAATATCCCCCATGGCCTTTGGAAC[T>G]TCAATATCCTCTTCTTTCTCTTCATCCTCCTCAGATCTCCTAAGCTATTACAGAGGGAAA-3'
Protein context (NP_803187.1, residues 1793-1813): EEDEEKEEDI[Glu1803Asp]VPKAMGDIFE